The following is an entry in ClinVar:

NM_002734.5(PRKAR1A):c.195T>G (p.Ile65Met)

Gene: PRKAR1A (protein kinase cAMP-dependent type I regulatory subunit alpha; plus strand). Cytogenetic location: 17q24.2.
Variant type: single nucleotide variant.
Coding change: c.195T>G on transcript NM_002734.5 (MANE Select); coding-DNA position 195, T replaced by G.
Protein change: p.Ile65Met; replaces isoleucine 65 with methionine.
Molecular consequence: missense variant.
Genome position (GRCh38, 1-based): chr17:68,522,773, T>G. VCF-style: chr17-68522773-T-G. GRCh37 (hg19) VCF-style: chr17-66518914-T-G.
Other names: c.195T>G (NM_002734.3); c.195T>G, p.Ile65Met (NM_001276289.2, NM_001276290.1, NM_001278433.2 and 4 more transcripts); short protein forms I65M.
Identifiers: ClinVar variation 2872577 (VCV002872577.4), dbSNP rs2509398354, ClinGen allele CA400752193.
Genomic context (GRCh38, chr17:68,522,773, plus strand): 5'-CATGCCGAAGGATCTCATTTTGCAAACTCGTAATTTCTTTCAGGAGGAGGCAAAACAGAT[T>G]CAGAATCTGCAGAAAGCAGGCACTCGTACAGACTCAAGGGAGGATGAGATTTCTCCTCCT-3'
Protein context (NP_002725.1, residues 55-75): ERLEKEEAKQ[Ile65Met]QNLQKAGTRT

ClinVar aggregate classification (germline): Uncertain significance. Review status: criteria provided, multiple submitters, no conflicts (2 of 4 stars). 2 submissions from 2 submitters: Uncertain significance (2). Last evaluated 2024-11-22.

Conditions:
Hereditary cancer-predisposing syndrome. Also called: Neoplastic Syndromes, Hereditary; Hereditary Cancer Syndrome; Hereditary neoplastic syndrome; Tumor predisposition. Identifiers: Orphanet 140162, MedGen C0027672, MeSH D009386, MONDO:0015356.
Carney complex, type 1 (CNC1). Also called: CARNEY COMPLEX, TYPE I; CARNEY MYXOMA-ENDOCRINE COMPLEX. Identifiers: Orphanet 1359, MedGen C2607929, MONDO:0008057, OMIM 160980.

Submissions (2):

Ambry Genetics
Classification: Uncertain significance for Hereditary cancer-predisposing syndrome. Last evaluated: 2024-11-22. Review status: criteria provided, single submitter. Criteria: Ambry Variant Classification Scheme 2023. Collection method: clinical testing. Allele origin: germline.
Comment: The p.I65M variant (also known as c.195T>G), located in coding exon 2 of the PRKAR1A gene, results from a T to G substitution at nucleotide position 195. The isoleucine at codon 65 is replaced by methionine, an amino acid with highly similar properties. This amino acid position is conserved. In addition, this alteration is predicted to be tolerated by in silico analysis. Based on the available evidence, the clinical significance of this variant remains unclear.

Labcorp Genetics (formerly Invitae), Labcorp
Classification: Uncertain significance for Carney complex, type 1. Last evaluated: 2024-06-17. Review status: criteria provided, single submitter. Criteria: Invitae Variant Classification Sherloc (09022015). Collection method: clinical testing. Allele origin: germline.
Comment: This sequence change replaces isoleucine, which is neutral and non-polar, with methionine, which is neutral and non-polar, at codon 65 of the PRKAR1A protein (p.Ile65Met). This variant is not present in population databases (gnomAD no frequency). This variant has not been reported in the literature in individuals affected with PRKAR1A-related conditions. An algorithm developed to predict the effect of missense changes on protein structure and function (PolyPhen-2) suggests that this variant is likely to be tolerated. In summary, the available evidence is currently insufficient to determine the role of this variant in disease. Therefore, it has been classified as a Variant of Uncertain Significance.